The following is an entry in ClinVar:

ClinVar aggregate classification (germline): Likely benign (1 of 4 stars; one submission).

Conditions:
FYB1-related disorder. Also called: FYB1-related condition.

gnomAD v4.1: 1 of 916,454 alleles (0.00011%); highest among the groups gnomAD compares: Non-Finnish European, 0.00015%; no homozygotes.

Submission:

PreventionGenetics, part of Exact Sciences
Classification: Likely benign for FYB1-related condition. Last evaluated: 2024-12-04. Review status: criteria provided, single submitter. Criteria: ACMG Guidelines, 2015. Collection method: clinical testing. Allele origin: germline.
Comment: This variant is classified as likely benign based on ACMG/AMP sequence variant interpretation guidelines (Richards et al. 2015 PMID: 25741868, with internal and published modifications).

NM_001465.6(FYB1):c.2239-3T>C

Gene: FYB1 (FYN binding protein 1; minus strand). Cytogenetic location: 5p13.1.
Variant type: single nucleotide variant.
Coding change: c.2239-3T>C on transcript NM_001465.6 (MANE Select); 3 bases into the intron before coding-DNA position 2239, T replaced by C.
Molecular consequence: intron variant.
Genome position (GRCh38, 1-based): chr5:39,119,039, A>G on the plus strand (T>C on the coding strand, the complement: FYB1 is on the minus strand). VCF-style: chr5-39119039-A-G. GRCh37 (hg19) VCF-style: chr5-39119141-A-G.
Other names: c.2269-3T>C (NM_001243093.2); c.2101-3T>C (NM_199335.5); c.2131-3T>C (NM_018594.2); c.2239-3T>C (NM_001349333.2).
Identifiers: ClinVar variation 5001679 (VCV005001679.1).